The following is an entry in ClinVar:

NM_001271.4(CHD2):c.4804C>G (p.His1602Asp)

Gene: CHD2 (chromodomain helicase DNA binding protein 2; plus strand). Cytogenetic location: 15q26.1.
Variant type: single nucleotide variant.
Coding change: c.4804C>G on transcript NM_001271.4 (MANE Select); coding-DNA position 4804, C replaced by G.
Protein change: p.His1602Asp; replaces histidine 1602 with aspartic acid.
Molecular consequence: missense variant.
Genome position (GRCh38, 1-based): chr15:93,014,807, C>G. VCF-style: chr15-93014807-C-G. GRCh37 (hg19) VCF-style: chr15-93558037-C-G.
Other names: short protein forms H1602D.
Identifiers: ClinVar variation 1743216 (VCV001743216.2), dbSNP rs2505629890, ClinGen allele CA393906726.

ClinVar aggregate classification (germline): Uncertain significance (1 of 4 stars; one submission).

Conditions:
Inborn genetic diseases. Identifiers: MedGen C0950123, MeSH D030342.

Submission:

Ambry Genetics
Classification: Uncertain significance for Inborn genetic diseases. Last evaluated: 2019-05-01. Review status: criteria provided, single submitter. Criteria: Ambry Variant Classification Scheme 2023. Collection method: clinical testing. Allele origin: germline.
Comment: The p.H1602D variant (also known as c.4804C>G), located in coding exon 36 of the CHD2 gene, results from a C to G substitution at nucleotide position 4804. The histidine at codon 1602 is replaced by aspartic acid, an amino acid with similar properties. This amino acid position is highly conserved in available vertebrate species. In addition, this alteration is predicted to be deleterious by in silico analysis. Since supporting evidence is limited at this time, the clinical significance of this alteration remains unclear.